The following is an entry in ClinVar:

ClinVar aggregate classification (germline): Uncertain significance. Review status: criteria provided, multiple submitters, no conflicts (2 of 4 stars). 2 submissions from 2 submitters: Uncertain significance (2). Last evaluated 2025-08-21.

Conditions:
Adams-Oliver syndrome 5 (AOS5). Identifiers: Orphanet 974, MedGen C4014970, MONDO:0014459, OMIM 616028.
Familial thoracic aortic aneurysm and aortic dissection (TAAD). Also called: Thoracic aortic aneurysms and dissections. Identifiers: Orphanet 91387, MedGen C4707243, MONDO:0019625.

gnomAD v4.1: 1 of 1,612,922 alleles (0.000062%); no homozygotes.

Submissions (2):

Ambry Genetics
Classification: Uncertain significance for Familial thoracic aortic aneurysm and aortic dissection. Last evaluated: 2025-08-21. Review status: criteria provided, single submitter. Criteria: Ambry Variant Classification Scheme 2023. Collection method: clinical testing. Allele origin: germline.

Labcorp Genetics (formerly Invitae), Labcorp
Classification: Uncertain significance for Adams-Oliver syndrome 5. Last evaluated: 2022-02-16. Review status: criteria provided, single submitter. Criteria: Invitae Variant Classification Sherloc (09022015). Collection method: clinical testing. Allele origin: germline.
Comment: This sequence change replaces proline, which is neutral and non-polar, with serine, which is neutral and polar, at codon 636 of the NOTCH1 protein (p.Pro636Ser). This variant is not present in population databases (gnomAD no frequency). In summary, the available evidence is currently insufficient to determine the role of this variant in disease. Therefore, it has been classified as a Variant of Uncertain Significance. Algorithms developed to predict the effect of missense changes on protein structure and function (SIFT, PolyPhen-2, Align-GVGD) all suggest that this variant is likely to be tolerated. This variant has not been reported in the literature in individuals affected with NOTCH1-related conditions.

NM_017617.5(NOTCH1):c.1906C>T (p.Pro636Ser)

Gene: NOTCH1 (notch receptor 1; minus strand). Cytogenetic location: 9q34.3.
Variant type: single nucleotide variant.
Coding change: c.1906C>T on transcript NM_017617.5 (MANE Select); coding-DNA position 1906, C replaced by T.
Protein change: p.Pro636Ser; replaces proline 636 with serine.
Molecular consequence: missense variant.
Genome position (GRCh38, 1-based): chr9:136,515,398, G>A on the plus strand (C>T on the coding strand, the complement: NOTCH1 is on the minus strand). VCF-style: chr9-136515398-G-A. GRCh37 (hg19) VCF-style: chr9-139409850-G-A.
Other names: c.1906C>T (NM_017617.3); short protein forms P636S.
Identifiers: ClinVar variation 2084331 (VCV002084331.5), dbSNP rs2133362878, ClinGen allele CA375559435.